The following is an entry in ClinVar:

ClinVar aggregate classification (germline): Pathogenic/Likely pathogenic. Review status: criteria provided, multiple submitters, no conflicts (2 of 4 stars). 7 submissions from 7 submitters: Pathogenic (4); Likely pathogenic (3). Last evaluated 2026-01-26.

Conditions:
Cardiovascular phenotype. Identifiers: MedGen CN230736.
Cholestanol storage disease (CTX). Also called: CTX: Cerebrotendinous xanthomatosis; CEREBRAL CHOLESTERINOSIS; Cerebrotendinous Xanthomatosis. Identifiers: Orphanet 909, MedGen C0238052, MONDO:0008948, OMIM 213700.

Allele frequency attached by ClinVar (database versions not stated): gnomAD exomes below 0.00001; ExAC 0.00001.

Submissions (7):

3billion
Classification: Likely pathogenic for Cholestanol storage disease. Last evaluated: 2026-01-26. Review status: criteria provided, single submitter. Criteria: ACMG Guidelines, 2015. Collection method: clinical testing. Allele origin: germline. Affected: yes.
Comment: The variant is not observed in the gnomAD v4.1.0 dataset. Predicted Consequence/Location: Canonical splice site: predicted to alter splicing and result in a loss or disruption of normal protein function. The predicted truncated protein may be shortened by less than 10%. In silico tools predict the variant to alter splicing and produce an abnormal transcript [SpliceAI: 0.99 (spliceogenicity >=0.2, non-spliceogenicity <0.1)]. The variant has been reported at least twice as pathogenic with clinical assertions and evidence for the classification (ClinVar ID: VCV000379475 /PMID: 28623566). Therefore, this variant is classified as Likely pathogenic according to the recommendation of ACMG/AMP guideline.

Natera, Inc.
Classification: Likely pathogenic for Cerebrotendinous xanthomatosis. Last evaluated: 2026-01-16. Review status: criteria provided, single submitter. Criteria: Natera Variant Classification Schema (03/2026). Collection method: clinical testing. Allele origin: germline.
Comment: The c.1477-2A>C variant in CYP27A1 is a canonical splice acceptor site variant predicted to affect pre-mRNA splicing, which may result in an abnormal transcript and altered protein product. This variant may result in a truncated or dysfunctional protein product. This variant is rare in the general population with a frequency below the threshold expected for the associated phenotype(s). This variant has been observed in one or more individuals affected with the associated recessive disease, as either homozygous or compound heterozygous with a second variant (PMID: 28623566, 33414089). Additionally, this variant has been observed to segregate in affected family members (PMID: 28623566). Given the available evidence, this variant is classified as Likely Pathogenic.

Ambry Genetics
Classification: Pathogenic for Cardiovascular phenotype. Last evaluated: 2023-07-05. Review status: criteria provided, single submitter. Criteria: Ambry Variant Classification Scheme 2023. Collection method: clinical testing. Allele origin: germline.
Comment: The c.1477-2A>C intronic variant results from an A to C substitution two nucleotides before exon 9 (coding exon 9) of the CYP27A1 gene. Alterations that disrupt the canonical splice site are expected to cause aberrant splicing, resulting in an abnormal protein or a transcript that is subject to nonsense-mediated mRNA decay. This allele was reported in one heterozygous individual in population-based cohorts in the Genome Aggregation Database (gnomAD). This variant has been reported as a compound heterozygous finding in several individuals who were diagnosed with cerebrotendinous xanthomatosis either in infancy or as an adult (Chen, 2017; Zhang, 2021). This nucleotide position is highly conserved in available vertebrate species. In silico splice site analysis predicts that this alteration will weaken the native splice acceptor site and will result in the creation or strengthening of a novel splice acceptor site. Based on the available evidence, this alteration is classified as pathogenic.

Baylor Genetics
Classification: Pathogenic for Cholestanol storage disease. Last evaluated: 2023-02-25. Review status: criteria provided, single submitter. Criteria: ACMG Guidelines, 2015. Collection method: clinical testing. Allele origin: unknown.

Labcorp Genetics (formerly Invitae), Labcorp
Classification: Pathogenic for Cholestanol storage disease. Last evaluated: 2022-09-14. Review status: criteria provided, single submitter. Criteria: Invitae Variant Classification Sherloc (09022015). Collection method: clinical testing. Allele origin: germline.
Comment: Disruption of this splice site has been observed in individual(s) with cerebrotendinous xanthomatosis (PMID: 28623566, 33414089). In at least one individual the data is consistent with being in trans (on the opposite chromosome) from a pathogenic variant. It has also been observed to segregate with disease in related individuals. This sequence change affects an acceptor splice site in intron 8 of the CYP27A1 gene. While this variant is not anticipated to result in nonsense mediated decay, it likely alters RNA splicing and results in a disrupted protein product. This variant is present in population databases (rs111570247, gnomAD 0.006%). ClinVar contains an entry for this variant (Variation ID: 379475). Variants that disrupt the consensus splice site are a relatively common cause of aberrant splicing (PMID: 17576681, 9536098). Algorithms developed to predict the effect of sequence changes on RNA splicing suggest that this variant may disrupt the consensus splice site. For these reasons, this variant has been classified as Pathogenic.

GeneDx
Classification: Likely pathogenic. Last evaluated: 2019-05-31. Review status: criteria provided, single submitter. Criteria: GeneDx Variant Classification Process June 2021. Collection method: clinical testing. Allele origin: germline. Affected: yes.
Comment: Identified in two siblings with cerebrotendinous xanthomatosis in the presence of a second CYP27A1 variant (Chen et al., 2017); Canonical splice site variant predicted to result in the loss of a critical region.; Not observed at a significant frequency in large population cohorts (Lek et al., 2016); This variant is associated with the following publications: (PMID: 28623566)

Juno Genomics, Hangzhou Juno Genomics, Inc
Classification: Pathogenic for Cholestanol storage disease. Review status: criteria provided, single submitter. Criteria: ACMG Guidelines, 2015. Collection method: clinical testing. Allele origin: germline.
Comment: Absent from controls (or at extremely low frequency if recessive) in Genome Aggregation Database.;Null variant in a gene where loss of function (LOF) is a known mechanism of disease.;For recessive disorders, detected in trans with a pathogenic variant.;Patient's phenotype or family history is highly specific for a disease with a single genetic etiology.

Literature cited by the submitters: PubMed 28623566 (cited by 4 submitters); PubMed 33414089 (cited by 3 submitters); PubMed 17576681 (cited by Labcorp Genetics (formerly Invitae), Labcorp); PubMed 9536098 (cited by Labcorp Genetics (formerly Invitae), Labcorp).

NM_000784.4(CYP27A1):c.1477-2A>C

Gene: CYP27A1 (cytochrome P450 family 27 subfamily A member 1; plus strand). Cytogenetic location: 2q35.
Variant type: single nucleotide variant.
Coding change: c.1477-2A>C on transcript NM_000784.4 (MANE Select); the canonical splice acceptor site of the intron before coding-DNA position 1477, A replaced by C.
Molecular consequence: splice acceptor variant.
Genome position (GRCh38, 1-based): chr2:218,814,909, A>C. VCF-style: chr2-218814909-A-C. GRCh37 (hg19) VCF-style: chr2-219679632-A-C.
Identifiers: ClinVar variation 379475 (VCV000379475.16), dbSNP rs111570247, ClinGen allele CA2112924.